The following is an entry in ClinVar:

ClinVar aggregate classification (germline): Uncertain significance (1 of 4 stars; one submission).

Allele frequency attached by ClinVar (database versions not stated): gnomAD exomes below 0.00001.
gnomAD v4.1: 1 of 1,613,994 alleles (0.000062%); highest among the groups gnomAD compares: Non-Finnish European, 0.000085%; no homozygotes.

Submission:

Labcorp Genetics (formerly Invitae), Labcorp
Classification: Uncertain significance. Last evaluated: 2022-01-17. Review status: criteria provided, single submitter. Criteria: Invitae Variant Classification Sherloc (09022015). Collection method: clinical testing. Allele origin: germline.
Comment: In summary, the available evidence is currently insufficient to determine the role of this variant in disease. Therefore, it has been classified as a Variant of Uncertain Significance. Algorithms developed to predict the effect of missense changes on protein structure and function are either unavailable or do not agree on the potential impact of this missense change (SIFT: "Not Available"; PolyPhen-2: "Possibly Damaging"; Align-GVGD: "Not Available"). This variant has not been reported in the literature in individuals affected with MYO18B-related conditions. This variant is not present in population databases (gnomAD no frequency). This sequence change replaces glutamic acid, which is acidic and polar, with lysine, which is basic and polar, at codon 862 of the MYO18B protein (p.Glu862Lys).

NM_032608.7(MYO18B):c.2584G>A (p.Glu862Lys)

Gene: MYO18B (myosin XVIIIB; plus strand). Cytogenetic location: 22q12.1.
Variant type: single nucleotide variant.
Coding change: c.2584G>A on transcript NM_032608.7 (MANE Select); coding-DNA position 2584, G replaced by A.
Protein change: p.Glu862Lys; replaces glutamic acid 862 with lysine.
Molecular consequence: missense variant.
Genome position (GRCh38, 1-based): chr22:25,823,567, G>A. VCF-style: chr22-25823567-G-A. GRCh37 (hg19) VCF-style: chr22-26219534-G-A.
Other names: c.2584G>A, p.Glu862Lys (NM_001318245.2); short protein forms E862K.
Identifiers: ClinVar variation 1961806 (VCV001961806.5), dbSNP rs2145891644, ClinGen allele CA410998834.
Genomic context (GRCh38, chr22:25,823,567, plus strand): 5'-GGTCGGAAGCAGTTCATGAGGTTTGAGTGGGCAAACTACGCAGCTGAGGCCCTGGGCTGC[G>A]AGTATGAGGAGCTGAACACGGCCACCTTCAAGCACCACCTTCGACAGATCATCCAGCAAA-3'
Protein context (NP_115997.5, residues 852-872): ANYAAEALGC[Glu862Lys]YEELNTATFK